The following is an entry in ClinVar:

ClinVar aggregate classification (germline): Uncertain significance. Review status: criteria provided, multiple submitters, no conflicts (2 of 4 stars). 2 submissions from 2 submitters: Uncertain significance (2). Last evaluated 2025-04-22.

Conditions:
Saldino-Mainzer syndrome (SRTD9). Also called: CONORENAL SYNDROME; SHORT-RIB THORACIC DYSPLASIA 9 WITHOUT POLYDACTYLY; Renal dysplasia, retinal pigmentary dystrophy, cerebellar ataxia and skeletal dysplasia; short-rib thoracic dysplasia 9 with or without polydactyly. Identifiers: Orphanet 140969, MedGen C1849437, MONDO:0009964, OMIM 266920.
Retinitis pigmentosa 80 (RP80). Identifiers: MedGen C4540439, MONDO:0054708, OMIM 617781.

gnomAD v4.1: 4 of 1,611,874 alleles (0.00025%); highest among the groups gnomAD compares: Non-Finnish European, 0.00034%; no homozygotes.

Submissions (2):

Labcorp Genetics (formerly Invitae), Labcorp
Classification: Uncertain significance for Saldino-Mainzer syndrome. Last evaluated: 2025-04-22. Review status: criteria provided, single submitter. Criteria: Invitae Variant Classification Sherloc (09022015). Collection method: clinical testing. Allele origin: germline.
Comment: This sequence change replaces leucine, which is neutral and non-polar, with phenylalanine, which is neutral and non-polar, at codon 720 of the IFT140 protein (p.Leu720Phe). This variant is present in population databases (rs756482228, gnomAD 0.002%). This variant has not been reported in the literature in individuals affected with IFT140-related conditions. ClinVar contains an entry for this variant (Variation ID: 3578513). Invitae Evidence Modeling of protein sequence and biophysical properties (such as structural, functional, and spatial information, amino acid conservation, physicochemical variation, residue mobility, and thermodynamic stability) indicates that this missense variant is not expected to disrupt IFT140 protein function with a negative predictive value of 80%. In summary, the available evidence is currently insufficient to determine the role of this variant in disease. Therefore, it has been classified as a Variant of Uncertain Significance.

Fulgent Genetics
Classification: Uncertain significance for Saldino-Mainzer syndrome; Retinitis pigmentosa 80. Last evaluated: 2024-03-02. Review status: criteria provided, single submitter. Criteria: ACMG Guidelines, 2015. Collection method: clinical testing. Allele origin: germline.

NM_014714.4(IFT140):c.2158C>T (p.Leu720Phe)

Gene: IFT140 (intraflagellar transport 140; minus strand). Cytogenetic location: 16p13.3.
Variant type: single nucleotide variant.
Coding change: c.2158C>T on transcript NM_014714.4 (MANE Select); coding-DNA position 2158, C replaced by T.
Protein change: p.Leu720Phe; replaces leucine 720 with phenylalanine.
Molecular consequence: missense variant.
Genome position (GRCh38, 1-based): chr16:1,562,026, G>A on the plus strand (C>T on the coding strand, the complement: IFT140 is on the minus strand). VCF-style: chr16-1562026-G-A. GRCh37 (hg19) VCF-style: chr16-1612027-G-A.
Other names: short protein forms L720F.
Identifiers: ClinVar variation 3578513 (VCV003578513.2).